The following is an entry in ClinVar:

ClinVar aggregate classification (germline): Uncertain significance (1 of 4 stars; one submission).

Submission:

Ambry Genetics
Classification: Uncertain significance. Last evaluated: 2022-06-27. Review status: criteria provided, single submitter. Criteria: Ambry Variant Classification Scheme 2023. Collection method: clinical testing. Allele origin: germline.
Comment: The p.V457L variant (also known as c.1369G>T), located in coding exon 6 of the PALLD gene, results from a G to T substitution at nucleotide position 1369. The valine at codon 457 is replaced by leucine, an amino acid with highly similar properties. This amino acid position is conserved. In addition, this alteration is predicted to be tolerated by in silico analysis. Since supporting evidence is limited at this time, the clinical significance of this alteration remains unclear.

NM_001166108.2(PALLD):c.1369G>T (p.Val457Leu)

Gene: PALLD (palladin, cytoskeletal associated protein; plus strand). Cytogenetic location: 4q32.3.
Variant type: single nucleotide variant.
Coding change: c.1369G>T on transcript NM_001166108.2 (MANE Select); coding-DNA position 1369, G replaced by T.
Protein change: p.Val457Leu; replaces valine 457 with leucine.
Molecular consequence: missense variant.
Genome position (GRCh38, 1-based): chr4:168,690,636, G>T. VCF-style: chr4-168690636-G-T. GRCh37 (hg19) VCF-style: chr4-169611787-G-T.
Other names: c.223G>T, p.Val75Leu (NM_001166109.2); c.1369G>T, p.Val457Leu (NM_016081.4); short protein forms V75L, V457L.
Identifiers: ClinVar variation 1770999 (VCV001770999.2), dbSNP rs2531650932, ClinGen allele CA358795427.